The following is an entry in ClinVar:

NM_001384732.1(CPLANE1):c.4790A>T (p.His1597Leu)

Gene: CPLANE1 (ciliogenesis and planar polarity effector complex subunit 1; minus strand). Cytogenetic location: 5p13.2.
Variant type: single nucleotide variant.
Coding change: c.4790A>T on transcript NM_001384732.1 (MANE Select); coding-DNA position 4790, A replaced by T.
Protein change: p.His1597Leu; replaces histidine 1597 with leucine.
Molecular consequence: missense variant.
Genome position (GRCh38, 1-based): chr5:37,183,391, T>A on the plus strand (A>T on the coding strand, the complement: CPLANE1 is on the minus strand). VCF-style: chr5-37183391-T-A. GRCh37 (hg19) VCF-style: chr5-37183493-T-A.
Other names: c.4790A>T, p.His1597Leu (NM_023073.4); short protein forms H1597L.
Identifiers: ClinVar variation 1508206 (VCV001508206.6), dbSNP rs2151155064, ClinGen allele CA359496187.
Genomic context (GRCh38, chr5:37,183,391, plus strand): 5'-GAACCAGCTCTAAACACATTCTGGCTTTTAGTTTTGCTCTGATGTCGTTTTAATGTTGTA[T>A]GTACATCAAAAAGTAAAGAATTAAGTTCATGTTCTCTAAGCTTTCCAGAAAAACTAGTTA-3'
Protein context (NP_001371661.1, residues 1587-1607): HELNSLLFDV[His1597Leu]TTLKRHQSKT

ClinVar aggregate classification (germline): Uncertain significance (1 of 4 stars; one submission).

Submission:

Labcorp Genetics (formerly Invitae), Labcorp
Classification: Uncertain significance. Last evaluated: 2021-09-30. Review status: criteria provided, single submitter. Criteria: Invitae Variant Classification Sherloc (09022015). Collection method: clinical testing. Allele origin: germline.
Comment: This sequence change replaces histidine with leucine at codon 1597 of the CPLANE1 protein (p.His1597Leu). The histidine residue is moderately conserved and there is a moderate physicochemical difference between histidine and leucine. This variant is not present in population databases (ExAC no frequency). This variant has not been reported in the literature in individuals affected with CPLANE1-related conditions. Algorithms developed to predict the effect of missense changes on protein structure and function are either unavailable or do not agree on the potential impact of this missense change (SIFT: "Deleterious"; PolyPhen-2: "Benign"; Align-GVGD: "Class C0"). In summary, the available evidence is currently insufficient to determine the role of this variant in disease. Therefore, it has been classified as a Variant of Uncertain Significance.